The following is an entry in ClinVar:

ClinVar aggregate classification (germline): Uncertain significance (1 of 4 stars; one submission).

Conditions:
TMEM67-related disorder. Also called: TMEM67-related disorders; TMEM67-related condition. Identifiers: MedGen CN239423.

Submission:

PreventionGenetics, part of Exact Sciences
Classification: Uncertain significance for TMEM67-related condition. Last evaluated: 2025-06-01. Review status: criteria provided, single submitter. Criteria: ACMG Guidelines, 2015. Collection method: clinical testing. Allele origin: germline.
Comment: The TMEM67 c.959G>A variant is predicted to result in the amino acid substitution p.Ser320Asn. To our knowledge, this variant has not been reported in the literature or in a large population database (gnomAD), indicating this variant is rare. At this time, the clinical significance of this variant is uncertain due to the absence of conclusive functional and genetic evidence.

NM_153704.6(TMEM67):c.959G>A (p.Ser320Asn)

Gene: TMEM67 (transmembrane protein 67; plus strand). Cytogenetic location: 8q22.1.
Variant type: single nucleotide variant.
Coding change: c.959G>A on transcript NM_153704.6 (MANE Select); coding-DNA position 959, G replaced by A.
Protein change: p.Ser320Asn; replaces serine 320 with asparagine.
Molecular consequence: missense variant. On other transcripts: non-coding transcript variant (1).
Genome position (GRCh38, 1-based): chr8:93,780,963, G>A. VCF-style: chr8-93780963-G-A. GRCh37 (hg19) VCF-style: chr8-94793191-G-A.
Other names: c.716G>A, p.Ser239Asn (NM_001142301.1); short protein forms S320N, S239N.
Identifiers: ClinVar variation 5002045 (VCV005002045.1).